The following is an entry in ClinVar:

NM_000219.6(KCNE1):c.122del (p.Lys41fs)

Gene: KCNE1 (potassium voltage-gated channel subfamily E regulatory subunit 1; minus strand). Cytogenetic location: 21q22.12.
Variant type: Deletion.
Coding change: c.122del on transcript NM_000219.6 (MANE Select); coding-DNA position 122, one base deleted (A; older notation c.122delA).
Protein change: p.Lys41fs; shifts the reading frame from lysine 41.
Molecular consequence: frameshift variant.
Genome position (GRCh38, 1-based): chr21:34,449,513, T deleted on the plus strand (A on the coding strand, the reverse complement: KCNE1 is on the minus strand); the first of 2 consecutive T bases (chr21:34,449,513-34,449,514); deleting either gives the same sequence. VCF-style (leftmost placement, unchanged base first): chr21-34449512-CT-C. GRCh37 (hg19) VCF-style: chr21-35821810-CT-C.
Other names: c.122del, p.Lys41fs (NM_001127668.4, NM_001127669.4, NM_001127670.4 and 4 more transcripts); short protein forms K41fs.
Identifiers: ClinVar variation 3601178 (VCV003601178.1).

ClinVar aggregate classification (germline): Pathogenic (1 of 4 stars; one submission).

Conditions:
Jervell and Lange-Nielsen syndrome 1 (JLNS1). Also called: CARDIOAUDITORY SYNDROME OF JERVELL AND LANGE-NIELSEN; DEAFNESS, CONGENITAL, AND FUNCTIONAL HEART DISEASE; PROLONGED QT INTERVAL IN EKG AND SUDDEN DEATH; SURDO-CARDIAC SYNDROME. Identifiers: Orphanet 768, Orphanet 90647, MedGen C4551509, MONDO:0024540, OMIM 220400.

Submission:

Institute of Rare Diseases, West China Hospital, Sichuan University
Classification: Pathogenic for Jervell and Lange-Nielsen syndrome 1. Last evaluated: 2025-01-09. Review status: criteria provided, single submitter. Criteria: ClinGen HL ACMG Specifications v1. Collection method: research. Allele origin: germline. Affected: yes.
Comment: PVS1;PM3;PM2_Supporting